The following is an entry in ClinVar:

NM_001715.3(BLK):c.753A>G (p.Gln251=)

Genes: BLK-AS1 (BLK antisense RNA 1), BLK (BLK proto-oncogene, Src family tyrosine kinase). Cytogenetic location: 8p23.1.
Variant type: single nucleotide variant.
Coding change: c.753A>G on transcript NM_001715.3 (MANE Select); coding-DNA position 753, A replaced by G.
Protein change: p.Gln251=; no amino-acid change (glutamine 251 retained).
Molecular consequence: synonymous variant.
Genome position (GRCh38, 1-based): chr8:11,555,465, A>G. VCF-style: chr8-11555465-A-G. GRCh37 (hg19) VCF-style: chr8-11412974-A-G.
Other names: c.540A>G, p.Gln180= (NM_001330465.2).
Identifiers: ClinVar variation 361486 (VCV000361486.44), dbSNP rs76563369, ClinGen allele CA4630061.

ClinVar aggregate classification (germline): Benign/Likely benign. Review status: criteria provided, multiple submitters, no conflicts (2 of 4 stars). 8 submissions from 8 submitters: Benign (5); Likely benign (3). Last evaluated 2026-01-26.

Conditions:
Maturity-onset diabetes of the young type 11. Identifiers: Orphanet 552, MedGen C3150618, MONDO:0013242, OMIM 613375.
Systemic lupus erythematosus (SLE). Identifiers: Orphanet 536, MedGen C0024141, MONDO:0007915, OMIM 152700, HP:0002725.

Allele frequency attached by ClinVar (database versions not stated): gnomAD exomes 0.00035 and 0.00103; ExAC 0.00139; gnomAD 0.00389 and 0.00416; TOPMed 0.00403; 1000 Genomes Project 0.00419; 1000 Genomes Project 30x 0.00453; ESP Exome Variant Server 0.00492.

Submissions (8):

Labcorp Genetics (formerly Invitae), Labcorp
Classification: Benign. Last evaluated: 2026-01-26. Review status: criteria provided, single submitter. Criteria: Invitae Variant Classification Sherloc (09022015). Collection method: clinical testing. Allele origin: germline.

Blueprint Genetics
Classification: Likely benign. Last evaluated: 2024-10-24. Review status: criteria provided, single submitter. Criteria: ACMG Guidelines, 2015. Collection method: clinical testing. Allele origin: germline.

CeGaT Center for Human Genetics Tuebingen
Classification: Benign. Last evaluated: 2024-04-01. Review status: criteria provided, single submitter. Criteria: CeGaT Center For Human Genetics Tuebingen Variant Classification Criteria Version 2. Collection method: clinical testing. Allele origin: germline. Affected: yes. Observed: 2 variant alleles.
Comment: BLK: BP4, BP7, BS1, BS2

Genetic Services Laboratory, University of Chicago
Classification: Benign. Last evaluated: 2021-10-28. Review status: criteria provided, single submitter. Criteria: ACMG Guidelines, 2015. Collection method: clinical testing. Allele origin: germline. Affected: no.

GeneDx
Classification: Likely benign. Last evaluated: 2020-11-03. Review status: criteria provided, single submitter. Criteria: GeneDx Variant Classification Process June 2021. Collection method: clinical testing. Allele origin: germline. Affected: yes.

Illumina Laboratory Services, Illumina
Classification: Benign for Maturity-onset diabetes of the young type 11. Last evaluated: 2018-01-12. Review status: criteria provided, single submitter. Criteria: ICSL Variant Classification Criteria 13 December 2019. Collection method: clinical testing. Allele origin: germline.
Comment: This variant was observed in the ICSL laboratory as part of a predisposition screen in an ostensibly healthy population. It had not been previously curated by ICSL or reported in the Human Gene Mutation Database (HGMD: prior to June 1st, 2018), and was therefore a candidate for classification through an automated scoring system. Utilizing variant allele frequency, disease prevalence and penetrance estimates, and inheritance mode, an automated score was calculated to assess if this variant is too frequent to cause the disease. Based on the score and internal cut-off values, a variant classified as benign is not then subjected to further curation. The score for this variant resulted in a classification of benign for this disease.

Breakthrough Genomics
Classification: Likely benign. Review status: criteria provided, single submitter. Criteria: ACMG Guidelines, 2015. Collection method: not provided. Allele origin: germline. Inheritance: Autosomal dominant inheritance. Affected: yes.

Clinical Genomics, Uppaluri K&H Personalized Medicine Clinic
Classification: Benign for Systemic lupus erythematosus. Review status: criteria provided, single submitter. Criteria: K & H Uppaluri Personalized Medicine Clinic Variant Classification & Assertion Criteria_Updated V.1. Collection method: research. Allele origin: unknown.
Comment: BLK gene is associated with Systemic lupus erythematosus, sjogren's syndrome and other systemic inflammatory conditions. However no sufficient evidence is found to ascertain the role of this particular variant rs76563369, yet.

Literature cited by the submitters: PubMed 32313195 (cited by Clinical Genomics, Uppaluri K&H Personalized Medicine Clinic); PubMed 19667185 (cited by Clinical Genomics, Uppaluri K&H Personalized Medicine Clinic); PubMed 18204098 (cited by Clinical Genomics, Uppaluri K&H Personalized Medicine Clinic); PubMed 24023612 (cited by Clinical Genomics, Uppaluri K&H Personalized Medicine Clinic); PubMed 31670388 (cited by Clinical Genomics, Uppaluri K&H Personalized Medicine Clinic).